The following is an entry in ClinVar:

NM_002240.5(KCNJ6):c.355G>T (p.Gly119Ter)

Genes: KCNJ6 (potassium inwardly rectifying channel subfamily J member 6; minus strand), KCNJ6-AS1 (KCNJ6 antisense RNA 1; plus strand). Cytogenetic location: 21q22.13.
Variant type: single nucleotide variant.
Coding change: c.355G>T on transcript NM_002240.5 (MANE Select); coding-DNA position 355, G replaced by T.
Protein change: p.Gly119Ter; replaces glycine 119 with a stop codon.
Molecular consequence: nonsense.
Genome position (GRCh38, 1-based): chr21:37,714,802, C>A on the plus strand (G>T on the coding strand, the complement: KCNJ6 is on the minus strand). VCF-style: chr21-37714802-C-A. GRCh37 (hg19) VCF-style: chr21-39087105-C-A.
Other names: short protein forms G119*.
Identifiers: ClinVar variation 489221 (VCV000489221.2), dbSNP rs1556023598, ClinGen allele CA409969003.

ClinVar aggregate classification (germline): Uncertain significance (1 of 4 stars; one submission).

Submission:

GeneDx
Classification: Uncertain significance. Last evaluated: 2017-12-13. Review status: criteria provided, single submitter. Criteria: GeneDx Variant Classification (06012015). Collection method: clinical testing. Allele origin: germline. Affected: yes.
Comment: A variant of uncertain significance has been identified in the KCNJ6 gene. The G119X variant has not been reported previously as a pathogenic variant nor as a benign variant, to our knowledge. This variant is predicted to cause loss of normal protein function either through protein truncation or nonsense-mediated mRNA decay, in a gene for which loss-of-function is not a known mechanism of disease. The G119X variant is not observed in large population cohorts (Lek et al., 2016). Based on the currently available information, it is unclear whether this variant is a pathogenic variant or a rare benign variant.